The following is an entry in ClinVar:

NM_032578.4(MYPN):c.2329G>T (p.Gly777Trp)

Gene: MYPN (myopalladin; plus strand). Cytogenetic location: 10q21.3.
Variant type: single nucleotide variant.
Coding change: c.2329G>T on transcript NM_032578.4 (MANE Select); coding-DNA position 2329, G replaced by T.
Protein change: p.Gly777Trp; replaces glycine 777 with tryptophan.
Molecular consequence: missense variant. On other transcripts: non-coding transcript variant (2).
Genome position (GRCh38, 1-based): chr10:68,174,421, G>T. VCF-style: chr10-68174421-G-T. GRCh37 (hg19) VCF-style: chr10-69934178-G-T.
Other names: c.2329G>T, p.Gly777Trp (NM_001256267.2); c.1447G>T, p.Gly483Trp (NM_001256268.2); short protein forms G483W, G777W.
Identifiers: ClinVar variation 3228159 (VCV003228159.1), dbSNP rs2495795238, ClinGen allele CA376846416.

ClinVar aggregate classification (germline): Uncertain significance (1 of 4 stars; one submission).

Conditions:
Cardiovascular phenotype. Identifiers: MedGen CN230736.

Submission:

Ambry Genetics
Classification: Uncertain significance for Cardiovascular phenotype. Last evaluated: 2024-03-11. Review status: criteria provided, single submitter. Criteria: Ambry Variant Classification Scheme 2023. Collection method: clinical testing. Allele origin: germline.
Comment: The p.G777W variant (also known as c.2329G>T), located in coding exon 10 of the MYPN gene, results from a G to T substitution at nucleotide position 2329. The glycine at codon 777 is replaced by tryptophan, an amino acid with highly dissimilar properties. This amino acid position is not well conserved in available vertebrate species. In addition, this alteration is predicted to be tolerated by in silico analysis. Based on the available evidence, the clinical significance of this alteration remains unclear.